The following is an entry in ClinVar:

ClinVar aggregate classification (germline): Uncertain significance. Review status: criteria provided, multiple submitters, no conflicts (2 of 4 stars). 3 submissions from 3 submitters: Uncertain significance (3). Last evaluated 2024-03-29.

Conditions:
Hyperaldosteronism, familial, type IV (HALD4). Also called: FH IV; ALDOSTERONISM, PRIMARY, AND HYPERTENSION. Identifiers: Orphanet 642671, MedGen C4310756, MONDO:0014875, OMIM 617027.
Idiopathic generalized epilepsy. Also called: EIG; Generalised epilepsy. Identifiers: MedGen C0270850, MONDO:0005579, OMIM 600669.
Inborn genetic diseases. Identifiers: MedGen C0950123, MeSH D030342.
Epilepsy, childhood absence, susceptibility to, 6. Identifiers: Orphanet 64280, MedGen C2749872, MONDO:0012763, OMIM 611942.

Allele frequency attached by ClinVar (database versions not stated): gnomAD 0.00001; TOPMed 0.00003; gnomAD exomes 0.00004; ESP Exome Variant Server 0.00016.

Submissions (3):

Fulgent Genetics
Classification: Uncertain significance for Epilepsy, childhood absence, susceptibility to, 6; Hyperaldosteronism, familial, type IV. Last evaluated: 2024-03-29. Review status: criteria provided, single submitter. Criteria: ACMG Guidelines, 2015. Collection method: clinical testing. Allele origin: germline.

Labcorp Genetics (formerly Invitae), Labcorp
Classification: Uncertain significance for Idiopathic generalized epilepsy; Hyperaldosteronism, familial, type IV. Last evaluated: 2024-03-14. Review status: criteria provided, single submitter. Criteria: Invitae Variant Classification Sherloc (09022015). Collection method: clinical testing. Allele origin: germline.
Comment: This sequence change replaces methionine, which is neutral and non-polar, with threonine, which is neutral and polar, at codon 1078 of the CACNA1H protein (p.Met1078Thr). This variant is not present in population databases (gnomAD no frequency). This variant has not been reported in the literature in individuals affected with CACNA1H-related conditions. ClinVar contains an entry for this variant (Variation ID: 1057537). Advanced modeling of protein sequence and biophysical properties (such as structural, functional, and spatial information, amino acid conservation, physicochemical variation, residue mobility, and thermodynamic stability) performed at Invitae indicates that this missense variant is not expected to disrupt CACNA1H protein function with a negative predictive value of 80%. In summary, the available evidence is currently insufficient to determine the role of this variant in disease. Therefore, it has been classified as a Variant of Uncertain Significance.

Ambry Genetics
Classification: Uncertain significance for Inborn genetic diseases. Last evaluated: 2023-05-05. Review status: criteria provided, single submitter. Criteria: Ambry Variant Classification Scheme 2023. Collection method: clinical testing. Allele origin: germline.

NM_021098.3(CACNA1H):c.3233T>C (p.Met1078Thr)

Gene: CACNA1H (calcium voltage-gated channel subunit alpha1 H; plus strand). Cytogenetic location: 16p13.3.
Variant type: single nucleotide variant.
Coding change: c.3233T>C on transcript NM_021098.3 (MANE Select); coding-DNA position 3233, T replaced by C.
Protein change: p.Met1078Thr; replaces methionine 1078 with threonine.
Molecular consequence: missense variant.
Genome position (GRCh38, 1-based): chr16:1,208,091, T>C. VCF-style: chr16-1208091-T-C. GRCh37 (hg19) VCF-style: chr16-1258091-T-C.
Other names: c.3233T>C (NM_021098.2); c.3233T>C, p.Met1078Thr (NM_001005407.2); short protein forms M1078T.
Identifiers: ClinVar variation 1057537 (VCV001057537.12), dbSNP rs373102061, ClinGen allele CA276661801.